The following is an entry in ClinVar:

ClinVar aggregate classification (germline): Pathogenic (1 of 4 stars; one submission).

Conditions:
Spermatogenic failure 18. Identifiers: MedGen C4539783, MONDO:0054615, OMIM 617576.
Ciliary dyskinesia, primary, 37 (CILD37). Also called: CILIARY DYSKINESIA, PRIMARY, 37, WITH OR WITHOUT SITUS INVERSUS. Identifiers: MedGen C4539798, MONDO:0033204, OMIM 617577.

Submission:

Labcorp Genetics (formerly Invitae), Labcorp
Classification: Pathogenic for Ciliary dyskinesia, primary, 37; Spermatogenic failure 18. Last evaluated: 2022-12-14. Review status: criteria provided, single submitter. Criteria: Invitae Variant Classification Sherloc (09022015). Collection method: clinical testing. Allele origin: germline.
Comment: This variant is not present in population databases (gnomAD no frequency). This variant has not been reported in the literature in individuals affected with DNAH1-related conditions. For these reasons, this variant has been classified as Pathogenic. This sequence change creates a premature translational stop signal (p.Ala2863Leufs*73) in the DNAH1 gene. It is expected to result in an absent or disrupted protein product. Loss-of-function variants in DNAH1 are known to be pathogenic (PMID: 27573432, 27798045).

Literature cited by the submitters: PubMed 27573432; PubMed 27798045.

NM_015512.5(DNAH1):c.8587del (p.Ala2863fs)

Gene: DNAH1 (dynein axonemal heavy chain 1; plus strand). Cytogenetic location: 3p21.1.
Variant type: Deletion.
Coding change: c.8587del on transcript NM_015512.5 (MANE Select); coding-DNA position 8587, one base deleted (G; older notation c.8587delG).
Protein change: p.Ala2863fs; shifts the reading frame from alanine 2863.
Molecular consequence: frameshift variant.
Genome position (GRCh38, 1-based): chr3:52,385,409, G deleted; the last of 2 consecutive G bases (chr3:52,385,408-52,385,409); deleting either gives the same sequence. VCF-style (leftmost placement, unchanged base first): chr3-52385407-AG-A. GRCh37 (hg19) VCF-style: chr3-52419423-AG-A.
Other names: short protein forms A2863fs.
Identifiers: ClinVar variation 2942291 (VCV002942291.3), dbSNP rs2471269709, ClinGen allele CA2577781936.